The following is an entry in ClinVar:

ClinVar aggregate classification (germline): Conflicting classifications of pathogenicity. Review status: criteria provided, conflicting classifications (1 of 4 stars). 4 submissions from 4 submitters: Uncertain significance (1); Likely benign (3). Last evaluated 2026-01-15.

Conditions:
CNGA3-related disorder. Also called: CNGA3-related condition.
Achromatopsia 2 (ACHM2). Also called: ROD MONOCHROMACY 2; ROD MONOCHROMATISM 2; COLORBLINDNESS, TOTAL. Identifiers: Orphanet 49382, MedGen C1857618, MONDO:0009003, OMIM 216900.

Allele frequency attached by ClinVar (database versions not stated): ESP Exome Variant Server 0.00008; gnomAD 0.00010; TOPMed 0.00012; 1000 Genomes Project 30x 0.00016; 1000 Genomes Project 0.00020.
gnomAD v4.1: 220 of 1,613,420 alleles (0.014%); highest among the groups gnomAD compares: Non-Finnish European, 0.016%; no homozygotes.

Submissions (4):

Labcorp Genetics (formerly Invitae), Labcorp
Classification: Likely benign. Last evaluated: 2026-01-15. Review status: criteria provided, single submitter. Criteria: Invitae Variant Classification Sherloc (09022015). Collection method: clinical testing. Allele origin: germline.

PreventionGenetics, part of Exact Sciences
Classification: Likely benign for CNGA3-related condition. Last evaluated: 2025-07-31. Review status: criteria provided, single submitter. Criteria: ACMG Guidelines, 2015. Collection method: clinical testing. Allele origin: germline.
Comment: This variant is classified as likely benign based on ACMG/AMP sequence variant interpretation guidelines (Richards et al. 2015 PMID: 25741868, with internal and published modifications).

Blueprint Genetics
Classification: Likely benign. Last evaluated: 2023-03-23. Review status: criteria provided, single submitter. Criteria: ACMG Guidelines, 2015. Collection method: clinical testing. Allele origin: germline.

Illumina Laboratory Services, Illumina
Classification: Uncertain significance for Achromatopsia 2. Last evaluated: 2018-01-13. Review status: criteria provided, single submitter. Criteria: ICSL Variant Classification Criteria 13 December 2019. Collection method: clinical testing. Allele origin: germline.

NM_001298.3(CNGA3):c.129G>A (p.Ser43=)

Gene: CNGA3 (cyclic nucleotide gated channel subunit alpha 3; plus strand). Cytogenetic location: 2q11.2.
Variant type: single nucleotide variant.
Coding change: c.129G>A on transcript NM_001298.3 (MANE Select); coding-DNA position 129, G replaced by A.
Protein change: p.Ser43=; no amino-acid change (serine 43 retained).
Molecular consequence: synonymous variant.
Genome position (GRCh38, 1-based): chr2:98,377,714, G>A. VCF-style: chr2-98377714-G-A. GRCh37 (hg19) VCF-style: chr2-98994177-G-A.
Other names: c.129G>A, p.Ser43= (NM_001079878.2).
Identifiers: ClinVar variation 738219 (VCV000738219.16), dbSNP rs372489647, ClinGen allele CA1793585.
Genomic context (GRCh38, chr2:98,377,714, plus strand): 5'-TCAATTCTGCTTGCTGCATATCTGATTTCCTAGAGCCCACTCGTCAAGTGAGGAGACATC[G>A]TCAGTGCTGCAGCCGGGGATCGCCATGGAGACCAGAGGACTGGCTGACTCCGGGCAGGGC-3'
Protein context (NP_001289.1, residues 33-53): SRAHSSSEET[Ser43=]SVLQPGIAME